The following is an entry in ClinVar:

NM_018941.4(CLN8):c.109G>A (p.Gly37Ser)

Gene: CLN8 (CLN8 transmembrane ER and ERGIC protein; plus strand). Cytogenetic location: 8p23.3.
Variant type: single nucleotide variant.
Coding change: c.109G>A on transcript NM_018941.4 (MANE Select); coding-DNA position 109, G replaced by A.
Protein change: p.Gly37Ser; replaces glycine 37 with serine.
Molecular consequence: missense variant.
Genome position (GRCh38, 1-based): chr8:1,771,163, G>A. VCF-style: chr8-1771163-G-A. GRCh37 (hg19) VCF-style: chr8-1719329-G-A.
Other names: short protein forms G37S.
Identifiers: ClinVar variation 1467537 (VCV001467537.6), dbSNP rs770240445, ClinGen allele CA4599199.

ClinVar aggregate classification (germline): Uncertain significance (1 of 4 stars; one submission).

Conditions:
Neuronal ceroid lipofuscinosis. Also called: Neuronal Ceroid Lipofuscinoses. Identifiers: Orphanet 216, Orphanet 79263, MedGen C0027877, MONDO:0016295. Disease mechanism: loss of function.

Allele frequency attached by ClinVar (database versions not stated): gnomAD exomes below 0.00001 and 0.00001; ExAC 0.00001.
gnomAD v4.1: 3 of 1,613,986 alleles (0.00019%); highest among the groups gnomAD compares: Admixed American, 0.0017%; no homozygotes.

Submission:

Labcorp Genetics (formerly Invitae), Labcorp
Classification: Uncertain significance for Neuronal ceroid lipofuscinosis. Last evaluated: 2021-08-11. Review status: criteria provided, single submitter. Criteria: Invitae Variant Classification Sherloc (09022015). Collection method: clinical testing. Allele origin: germline.
Comment: In summary, the available evidence is currently insufficient to determine the role of this variant in disease. Therefore, it has been classified as a Variant of Uncertain Significance. Algorithms developed to predict the effect of missense changes on protein structure and function are either unavailable or do not agree on the potential impact of this missense change (SIFT: "Tolerated"; PolyPhen-2: "Possibly Damaging"; Align-GVGD: "Class C0"). This variant has not been reported in the literature in individuals affected with CLN8-related conditions. This variant is present in population databases (rs770240445, ExAC 0.01%). This sequence change replaces glycine with serine at codon 37 of the CLN8 protein (p.Gly37Ser). The glycine residue is highly conserved and there is a small physicochemical difference between glycine and serine.